The following is an entry in ClinVar:

ClinVar aggregate classification (germline): Benign/Likely benign. Review status: criteria provided, multiple submitters, no conflicts (2 of 4 stars). 4 submissions from 4 submitters: Benign (1); Likely benign (2). 1 of the submissions does not count toward it. Last evaluated 2026-02-01.

Conditions:
COL6A3-related disorder. Also called: COL6A3-related disorders; COL6A3-related condition.
Bethlem myopathy 1C (BTHLM1C). Identifiers: MedGen C5935581, MONDO:0958234, OMIM 620726.
Dystonia 27 (DYT27). Identifiers: Orphanet 464440, MedGen C4225336, MONDO:0014627, OMIM 616411.
Ullrich congenital muscular dystrophy 1C (UCMD1C). Identifiers: MedGen C5935583, MONDO:0958236, OMIM 620728.
Bethlem myopathy 1A. Also called: Bethlem Muscular Dystrophy; MYOPATHY, BENIGN CONGENITAL, WITH CONTRACTURES; Bethlem myopathy 1. Identifiers: Orphanet 610, MedGen CN029274, MONDO:0024530, OMIM 158810.

Allele frequency attached by ClinVar (database versions not stated): ESP Exome Variant Server 0.00008; gnomAD 0.00009 and 0.00022; TOPMed 0.00010; gnomAD exomes 0.00032 and 0.00062; ExAC 0.00064; 1000 Genomes Project 0.00100; 1000 Genomes Project 30x 0.00125.

Submissions (4):

Labcorp Genetics (formerly Invitae), Labcorp
Classification: Likely benign for Bethlem myopathy 1A. Last evaluated: 2026-02-01. Review status: criteria provided, single submitter. Criteria: Invitae Variant Classification Sherloc (09022015). Collection method: clinical testing. Allele origin: germline.

Fulgent Genetics
Classification: Likely benign for Dystonia 27; Bethlem myopathy 1C; Ullrich congenital muscular dystrophy 1C. Last evaluated: 2024-05-24. Review status: criteria provided, single submitter. Criteria: ACMG Guidelines, 2015. Collection method: clinical testing. Allele origin: germline.

Eurofins Ntd Llc (ga)
Classification: Benign. Last evaluated: 2016-11-03. Review status: criteria provided, single submitter. Criteria: EGL Classification Definitions 2015. Collection method: clinical testing. Allele origin: germline. Observed: 1 variant allele, 1 heterozygote.

PreventionGenetics, part of Exact Sciences
Classification: Likely benign for COL6A3-related condition. Last evaluated: 2020-02-18. Review status: no assertion criteria provided. Collection method: clinical testing. Allele origin: germline. Not counted in ClinVar's aggregate classification.
Comment: This variant is classified as likely benign based on ACMG/AMP sequence variant interpretation guidelines (Richards et al. 2015 PMID: 25741868, with internal and published modifications).

NM_004369.4(COL6A3):c.6053C>T (p.Ala2018Val)

Gene: COL6A3 (collagen type VI alpha 3 chain; minus strand). Cytogenetic location: 2q37.3.
Variant type: single nucleotide variant.
Coding change: c.6053C>T on transcript NM_004369.4 (MANE Select); coding-DNA position 6053, C replaced by T.
Protein change: p.Ala2018Val; replaces alanine 2018 with valine.
Molecular consequence: missense variant.
Genome position (GRCh38, 1-based): chr2:237,363,263, G>A on the plus strand (C>T on the coding strand, the complement: COL6A3 is on the minus strand). VCF-style: chr2-237363263-G-A. GRCh37 (hg19) VCF-style: chr2-238271906-G-A.
Other names: c.4232C>T, p.Ala1411Val (NM_057166.5); c.5435C>T, p.Ala1812Val (NM_057167.4); short protein forms A2018V, A1411V, A1812V.
Identifiers: ClinVar variation 497225 (VCV000497225.22), dbSNP rs200239695, ClinGen allele CA2188492.